The following is an entry in ClinVar:

ClinVar aggregate classification (germline): Pathogenic (1 of 4 stars; one submission).

Conditions:
Ataxia-telangiectasia syndrome (AT). Also called: ATAXIA-TELANGIECTASIA, FRESNO VARIANT; ATAXIA-TELANGIECTASIA, COMPLEMENTATION GROUP A; Ataxia-telangiectasia, complementation group D; AT, COMPLEMENTATION GROUP C; Ataxia telangiectasia (A-T); LOUIS-BAR SYNDROME. Identifiers: Orphanet 100, MedGen C0004135, MONDO:0008840, OMIM 208900.

Submission:

Labcorp Genetics (formerly Invitae), Labcorp
Classification: Pathogenic for Ataxia-telangiectasia syndrome. Last evaluated: 2021-10-31. Review status: criteria provided, single submitter. Criteria: Invitae Variant Classification Sherloc (09022015). Collection method: clinical testing. Allele origin: germline.
Comment: For these reasons, this variant has been classified as Pathogenic. This variant has not been reported in the literature in individuals affected with ATM-related conditions. This variant is not present in population databases (gnomAD no frequency). This sequence change creates a premature translational stop signal (p.Ser1490Valfs*10) in the ATM gene. It is expected to result in an absent or disrupted protein product. Loss-of-function variants in ATM are known to be pathogenic (PMID: 23807571, 25614872).

Literature cited by the submitters: PubMed 23807571; PubMed 25614872.

NM_000051.4(ATM):c.4466_4467insAG (p.Ser1490fs)

Gene: ATM (ATM serine/threonine kinase; plus strand). Cytogenetic location: 11q22.3.
Variant type: Insertion.
Coding change: c.4466_4467insAG on transcript NM_000051.4 (MANE Select); coding-DNA positions 4466 to 4467, AG inserted.
Protein change: p.Ser1490fs; shifts the reading frame from serine 1490.
Molecular consequence: frameshift variant.
Genome position: GRCh38 VCF-style: chr11-108292647-C-CGA. GRCh37 (hg19) VCF-style: chr11-108163374-C-CGA.
Other names: c.4466_4467insAG, p.Ser1490fs (NM_001351834.2); short protein forms S1490fs.
Identifiers: ClinVar variation 1431618 (VCV001431618.6), dbSNP rs2135798107, ClinGen allele CA2573146644.
Genomic context (GRCh38, chr11:108,292,647, plus strand): 5'-GTTGTTGTTGTTTTTTTTTCTCCCTATATTAGGCCTTCTTGTATCATGGATGTGTCATTA[C>CGA]GTAGCTTCTCCCTTTGTTGTGACTTATTAAGTCAGGTTTGCCAGACAGCCGTGACTTACT-3'